The following is an entry in ClinVar:

NM_000093.5(COL5A1):c.2653A>G (p.Ile885Val)

Gene: COL5A1 (collagen type V alpha 1 chain; plus strand). Cytogenetic location: 9q34.3.
Variant type: single nucleotide variant.
Coding change: c.2653A>G on transcript NM_000093.5 (MANE Select); coding-DNA position 2653, A replaced by G.
Protein change: p.Ile885Val; replaces isoleucine 885 with valine.
Molecular consequence: missense variant.
Genome position (GRCh38, 1-based): chr9:134,789,161, A>G. VCF-style: chr9-134789161-A-G. GRCh37 (hg19) VCF-style: chr9-137681007-A-G.
Other names: c.2653A>G, p.Ile885Val (NM_001278074.1); short protein forms I885V.
Identifiers: ClinVar variation 1015770 (VCV001015770.11), dbSNP rs781756159, ClinGen allele CA5319515.

ClinVar aggregate classification (germline): Conflicting classifications of pathogenicity. Review status: criteria provided, conflicting classifications (1 of 4 stars). 2 submissions from 2 submitters: Uncertain significance (1); Benign (1). Last evaluated 2023-05-10.

Conditions:
Ehlers-Danlos syndrome, classic type, 1 (EDSCL1). Also called: EHLERS-DANLOS SYNDROME, GRAVIS TYPE; EHLERS-DANLOS SYNDROME, SEVERE CLASSIC TYPE; EDS I; Ehlers-Danlos Syndrome, Classic Type, COL5A1-Related; Ehlers-Danlos syndrome, type 1. Identifiers: MedGen C0268335, MONDO:0019567, OMIM 130000.

Allele frequency attached by ClinVar (database versions not stated): ExAC 0.00001; gnomAD exomes below 0.00001 and 0.00001; TOPMed 0.00001.
gnomAD v4.1: 4 of 1,612,954 alleles (0.00025%); highest among the groups gnomAD compares: Admixed American, 0.0033%; no homozygotes.

Submissions (2):

Labcorp Genetics (formerly Invitae), Labcorp
Classification: Benign for Ehlers-Danlos syndrome, classic type, 1. Last evaluated: 2023-05-10. Review status: criteria provided, single submitter. Criteria: Invitae Variant Classification Sherloc (09022015). Collection method: clinical testing. Allele origin: germline.

Baylor Genetics
Classification: Uncertain significance for Ehlers-Danlos syndrome, classic type, 1. Last evaluated: 2018-05-15. Review status: criteria provided, single submitter. Criteria: ACMG Guidelines, 2015. Collection method: clinical testing. Allele origin: maternal. Affected: yes.
Comment: This variant was determined to be of uncertain significance according to ACMG Guidelines, 2015 [PMID:25741868].